The following is an entry in ClinVar:

NM_152296.5(ATP1A3):c.1978C>T (p.Leu660Phe)

Gene: ATP1A3 (ATPase Na+/K+ transporting subunit alpha 3; minus strand). Cytogenetic location: 19q13.2.
Variant type: single nucleotide variant.
Coding change: c.1978C>T on transcript NM_152296.5 (MANE Select); coding-DNA position 1978, C replaced by T.
Protein change: p.Leu660Phe; replaces leucine 660 with phenylalanine.
Molecular consequence: missense variant.
Genome position (GRCh38, 1-based): chr19:41,976,532, G>A on the plus strand (C>T on the coding strand, the complement: ATP1A3 is on the minus strand). VCF-style: chr19-41976532-G-A. GRCh37 (hg19) VCF-style: chr19-42480684-G-A.
Other names: c.2011C>T, p.Leu671Phe (NM_001256213.2); c.2017C>T, p.Leu673Phe (NM_001256214.2); short protein forms L660F, L671F, L673F.
Identifiers: ClinVar variation 2571963 (VCV002571963.1), dbSNP rs1599713761, ClinGen allele CA406043453.

ClinVar aggregate classification (germline): Uncertain significance (1 of 4 stars; one submission).

Submission:

GeneDx
Classification: Uncertain significance. Last evaluated: 2023-01-10. Review status: criteria provided, single submitter. Criteria: GeneDx Variant Classification Process June 2021. Collection method: clinical testing. Allele origin: germline. Affected: yes.
Comment: Not observed at significant frequency in large population cohorts (gnomAD); In silico analysis supports that this missense variant has a deleterious effect on protein structure/function; Has not been previously published as pathogenic or benign to our knowledge